The following is an entry in ClinVar:

NM_006904.7(PRKDC):c.10126G>T (p.Gly3376Cys)

Gene: PRKDC (protein kinase, DNA-activated, catalytic subunit; minus strand). Cytogenetic location: 8q11.21.
Variant type: single nucleotide variant.
Coding change: c.10126G>T on transcript NM_006904.7 (MANE Select); coding-DNA position 10126, G replaced by T.
Protein change: p.Gly3376Cys; replaces glycine 3376 with cysteine.
Molecular consequence: missense variant.
Genome position (GRCh38, 1-based): chr8:47,799,381, C>A on the plus strand (G>T on the coding strand, the complement: PRKDC is on the minus strand). VCF-style: chr8-47799381-C-A. GRCh37 (hg19) VCF-style: chr8-48711942-C-A.
Other names: c.10126G>T, p.Gly3376Cys (NM_001081640.2); short protein forms G3376C.
Identifiers: ClinVar variation 2626364 (VCV002626364.2), dbSNP rs2087051221, ClinGen allele CA371135505.

ClinVar aggregate classification (germline): Uncertain significance (1 of 4 stars; one submission).

Submission:

Ambry Genetics
Classification: Uncertain significance. Last evaluated: 2023-09-06. Review status: criteria provided, single submitter. Criteria: Ambry Variant Classification Scheme 2023. Collection method: clinical testing. Allele origin: germline.
Comment: The p.G3376C variant (also known as c.10126G>T), located in coding exon 72 of the PRKDC gene, results from a G to T substitution at nucleotide position 10126. The glycine at codon 3376 is replaced by cysteine, an amino acid with highly dissimilar properties. This amino acid position is conserved. In addition, this alteration is predicted to be tolerated by in silico analysis. Since supporting evidence is limited at this time, the clinical significance of this alteration remains unclear.